The following is an entry in ClinVar:

NM_000397.4(CYBB):c.345C>A (p.His115Gln)

Gene: CYBB (cytochrome b-245 beta chain; plus strand). Cytogenetic location: Xp21.1.
Variant type: single nucleotide variant.
Coding change: c.345C>A on transcript NM_000397.4 (MANE Select); coding-DNA position 345, C replaced by A.
Protein change: p.His115Gln; replaces histidine 115 with glutamine.
Molecular consequence: missense variant.
Genome position (GRCh38, 1-based): chrX:37,793,672, C>A. VCF-style: chrX-37793672-C-A. GRCh37 (hg19) VCF-style: chrX-37652925-C-A.
Other names: short protein forms H115Q.
Identifiers: ClinVar variation 3724201 (VCV003724201.2).

ClinVar aggregate classification (germline): Uncertain significance (1 of 4 stars; one submission).

Conditions:
Granulomatous disease, chronic, X-linked. Also called: GRANULOMATOUS DISEASE, CHRONIC, X-LINKED, SOMATIC MOSAIC; CYTOCHROME b-NEGATIVE GRANULOMATOUS DISEASE, CHRONIC, X-LINKED. Identifiers: Orphanet 379, MedGen C1844376, MONDO:0010600, OMIM 306400.

Submission:

Labcorp Genetics (formerly Invitae), Labcorp
Classification: Uncertain significance for Granulomatous disease, chronic, X-linked. Last evaluated: 2024-07-22. Review status: criteria provided, single submitter. Criteria: Invitae Variant Classification Sherloc (09022015). Collection method: clinical testing. Allele origin: germline.
Comment: This sequence change replaces histidine, which is basic and polar, with glutamine, which is neutral and polar, at codon 115 of the CYBB protein (p.His115Gln). This variant is not present in population databases (gnomAD no frequency). This missense change has been observed in individual(s) with clinical features of chronic granulomatous disease (PMID: 11162142). Advanced modeling of protein sequence and biophysical properties (such as structural, functional, and spatial information, amino acid conservation, physicochemical variation, residue mobility, and thermodynamic stability) performed at Invitae indicates that this missense variant is expected to disrupt CYBB protein function with a positive predictive value of 80%. In summary, the available evidence is currently insufficient to determine the role of this variant in disease. Therefore, it has been classified as a Variant of Uncertain Significance.

Literature cited by the submitters: PubMed 11162142.